The following is an entry in ClinVar:

NM_002609.4(PDGFRB):c.1678_1689del (p.Pro560_Glu563del)

Gene: PDGFRB (platelet derived growth factor receptor beta; minus strand). Cytogenetic location: 5q32.
Variant type: Deletion.
Coding change: c.1678_1689del on transcript NM_002609.4 (MANE Select); coding-DNA positions 1678 to 1689, 12 bases deleted (CCACGTTACGAG).
Protein change: p.Pro560_Glu563del.
Genome position (GRCh38, 1-based): chr5:150,125,563-150,125,574, CTCGTAACGTGG deleted on the plus strand (CCACGTTACGAG on the coding strand, the reverse complement: PDGFRB is on the minus strand); deleting any 12 consecutive bases within chr5:150,125,563-150,125,576 gives the same sequence; the c. name uses the placement nearest the transcript's 3' end. VCF-style (leftmost placement, unchanged base first): chr5-150125562-TCTCGTAACGTGG-T. GRCh37 (hg19) VCF-style: chr5-149505125-TCTCGTAACGTGG-T.
Other names: c.1486_1497del, p.Pro496_Glu499del (NM_001355016.2); c.1195_1206del, p.Pro399_Glu402del (NM_001355017.2).
Identifiers: ClinVar variation 4530358 (VCV004530358.1).

ClinVar aggregate classification (somatic clinical impact): Tier II - Potential (1 of 4 stars; one submission).

Conditions:
Primary intracranial sarcoma, DICER1-mutant. Identifiers: MedGen C5670660, MONDO:0858967.

Submission:

Institute for Genomic Medicine (IGM) Clinical Laboratory, Nationwide Children's Hospital
Classification: Tier II - Potential for Primary intracranial sarcoma, DICER1-mutant. Assertion type: diagnostic. Clinical significance: supports diagnosis. Last evaluated: 2024-01-09. Review status: criteria provided, single submitter. Criteria: AMP/ASCO/CAP Guidelines, 2017. Collection method: clinical testing. Allele origin: somatic. Affected: yes.
Comment: Variant has Tier II (potential) clinical significance as a diagnostic inclusion criterion in primary intracranial sarcoma, DICER1-mutant, based on the following evidence: 1) Diagnostic significance based on multiple small studies (Evidence Level C; PMIDs: 29881993, 32291395, 36966138, 34674226).

Literature cited by the submitters: PubMed 29881993; PubMed 32291395; PubMed 36966138; PubMed 34674226.